The following is an entry in ClinVar:

NM_000218.3(KCNQ1):c.1394-30535dup

Genes: KCNQ1 (potassium voltage-gated channel subfamily Q member 1; plus strand), KCNQ1OT1 (KCNQ1 opposite strand/antisense transcript 1; minus strand). Cytogenetic location: 11p15.5.
Variant type: Duplication.
Coding change: c.1394-30535dup on transcript NM_000218.3 (MANE Select); 30535 bases into the intron before coding-DNA position 1394, one base duplicated (G; older notation c.1394-30535dupG).
Molecular consequence: intron variant. On other transcripts: non-coding transcript variant (1).
Genome position (GRCh38, 1-based): chr11:2,631,426, G duplicated. VCF-style (leftmost placement, unchanged base first): chr11-2631425-T-TG. GRCh37 (hg19) VCF-style: chr11-2652655-T-TG.
Other names: c.1124-30535dup (NM_001406837.1); c.1298-30535dup (NM_001406836.1); c.854-30535dup (NM_001406838.1); c.1013-30535dup (NM_181798.2).
Identifiers: ClinVar variation 2672442 (VCV002672442.23), dbSNP rs776978576, ClinGen allele CA216145649.
Genomic context (GRCh38, chr11:2,631,425, plus strand): 5'-GCTGATGCTTTCTATTTCACTTTTCATTTCATGCACTATATTCTTCACCTCCAAAATGTT[T>TG]GTTTTTTTTTTAGGATTTCTATTTCTTTATTGAATGTCTCCTTTTGTGTATTAATGATTT-3'

ClinVar aggregate classification (germline): Benign (1 of 4 stars; one submission).

Allele frequency attached by ClinVar (database versions not stated): 1000 Genomes Project 30x 0.00016; TOPMed 0.00040; gnomAD 0.00042; gnomAD exomes 0.00044.

Submission:

CeGaT Center for Human Genetics Tuebingen
Classification: Benign. Last evaluated: 2023-11-01. Review status: criteria provided, single submitter. Criteria: CeGaT Center For Human Genetics Tuebingen Variant Classification Criteria Version 2. Collection method: clinical testing. Allele origin: germline. Affected: yes. Observed: 2 variant alleles.
Comment: KCNQ1OT1: BS1, BS2